The following is an entry in ClinVar:

NM_000293.3(PHKB):c.271G>A (p.Ala91Thr)

Genes: PHKB (phosphorylase kinase regulatory subunit beta; plus strand), LOC112449713 (Sharpr-MPRA regulatory region 10524; plus strand). Cytogenetic location: 16q12.1.
Variant type: single nucleotide variant.
Coding change: c.271G>A on transcript NM_000293.3 (MANE Select); coding-DNA position 271, G replaced by A.
Protein change: p.Ala91Thr; replaces alanine 91 with threonine.
Molecular consequence: missense variant.
Genome position (GRCh38, 1-based): chr16:47,499,860, G>A. VCF-style: chr16-47499860-G-A. GRCh37 (hg19) VCF-style: chr16-47533771-G-A.
Other names: c.250G>A, p.Ala84Thr (NM_001031835.3); c.271G>A, p.Ala91Thr (NM_001363837.1); short protein forms A84T, A91T.
Identifiers: ClinVar variation 1488827 (VCV001488827.4), dbSNP rs200339326, ClinGen allele CA8040414.

ClinVar aggregate classification (germline): Uncertain significance (1 of 4 stars; one submission).

Conditions:
Glycogen storage disease IXb (GSD9B). Also called: PHOSPHORYLASE KINASE DEFICIENCY OF LIVER AND MUSCLE, AUTOSOMAL RECESSIVE; GLYCOGENOSIS OF LIVER AND MUSCLE, AUTOSOMAL RECESSIVE; GSD IXb. Identifiers: Orphanet 79240, MedGen C0543514, MONDO:0009868, OMIM 261750.

Allele frequency attached by ClinVar (database versions not stated): ExAC 0.00004; gnomAD exomes 0.00004; ESP Exome Variant Server 0.00008.
gnomAD v4.1: 79 of 1,614,030 alleles (0.0049%); highest among the groups gnomAD compares: South Asian, 0.013%; no homozygotes.

Submission:

Labcorp Genetics (formerly Invitae), Labcorp
Classification: Uncertain significance for Glycogen storage disease IXb. Last evaluated: 2025-06-23. Review status: criteria provided, single submitter. Criteria: Invitae Variant Classification Sherloc (09022015). Collection method: clinical testing. Allele origin: germline.
Comment: This sequence change replaces alanine, which is neutral and non-polar, with threonine, which is neutral and polar, at codon 91 of the PHKB protein (p.Ala91Thr). This variant is present in population databases (rs200339326, gnomAD 0.01%). This variant has not been reported in the literature in individuals affected with PHKB-related conditions. ClinVar contains an entry for this variant (Variation ID: 1488827). An algorithm developed to predict the effect of missense changes on protein structure and function (PolyPhen-2) suggests that this variant is likely to be disruptive. In summary, the available evidence is currently insufficient to determine the role of this variant in disease. Therefore, it has been classified as a Variant of Uncertain Significance.